The following is an entry in ClinVar:

ClinVar aggregate classification (germline): Likely benign (1 of 4 stars; one submission).

Conditions:
Intellectual disability, autosomal dominant 16 (CSS4). Also called: COFFIN-SIRIS SYNDROME 4. Identifiers: Orphanet 1465, MedGen C3553249, MONDO:0013821, OMIM 614609.

Submission:

Centre for Medical Genetics,  Mumbai
Classification: Likely benign for Intellectual disability, autosomal dominant 16. Last evaluated: 2026-02-19. Review status: criteria provided, single submitter. Criteria: ACMG Guidelines, 2015. Collection method: provider interpretation. Allele origin: germline. Inheritance: Autosomal dominant inheritance. Affected: no. Observed: 1 heterozygote.
Comment: The variant satisfies PM2 criteria; Extremely low frequency in gnomAD population databases. The variant satisfies PP2 criteria; Missense variant in a gene with low rate of benign missense mutations and for which missense mutation is a common mechanism of a disease. However, the variant satisfies BS2 criteria.

Literature cited by the submitters: PubMed 22426308.

NM_003072.5(SMARCA4):c.326C>A (p.Pro109Gln)

Gene: SMARCA4 (SWI/SNF related BAF chromatin remodeling complex subunit ATPase 4; plus strand). Cytogenetic location: 19p13.2.
Variant type: single nucleotide variant.
Coding change: c.326C>A on transcript NM_003072.5 (MANE Select); coding-DNA position 326, C replaced by A.
Protein change: p.Pro109Gln; replaces proline 109 with glutamine.
Molecular consequence: missense variant. On other transcripts: non-coding transcript variant (1).
Genome position (GRCh38, 1-based): chr19:10,985,376, C>A. VCF-style: chr19-10985376-C-A. GRCh37 (hg19) VCF-style: chr19-11096052-C-A.
Other names: c.326C>A, p.Pro109Gln (NM_001128844.3, NM_001128845.2, NM_001128846.2 and 6 more transcripts); short protein forms P109Q.
Identifiers: ClinVar variation 4795851 (VCV004795851.1).